The following is an entry in ClinVar:

ClinVar aggregate classification (germline): Uncertain significance. Review status: criteria provided, multiple submitters, no conflicts (2 of 4 stars). 4 submissions from 4 submitters: Uncertain significance (4). Last evaluated 2025-09-04.

Conditions:
Colorectal cancer. Also called: Colorectal cancer, somatic; Malignant Colorectal Neoplasm. Identifiers: MedGen C0346629, MONDO:0005575, OMIM 114500.
Hereditary cancer-predisposing syndrome. Also called: Hereditary neoplastic syndrome; Neoplastic Syndromes, Hereditary; Tumor predisposition; Hereditary Cancer Syndrome. Identifiers: Orphanet 140162, MedGen C0027672, MeSH D009386, MONDO:0015356.
Oligodontia-cancer predisposition syndrome. Also called: TOOTH AGENESIS-COLORECTAL CANCER SYNDROME. Identifiers: Orphanet 300576, MedGen C1837750, MONDO:0012075, OMIM 608615. Disease mechanism: loss of function.

gnomAD v4.1: 5 of 1,614,222 alleles (0.00031%); highest among the groups gnomAD compares: South Asian, 0.0022%; no homozygotes.

Submissions (4):

Ambry Genetics
Classification: Uncertain significance for Hereditary cancer-predisposing syndrome. Last evaluated: 2025-09-04. Review status: criteria provided, single submitter. Criteria: Ambry Variant Classification Scheme 2023. Collection method: clinical testing. Allele origin: germline.
Comment: The p.S390I variant (also known as c.1169G>T), located in coding exon 4 of the AXIN2 gene, results from a G to T substitution at nucleotide position 1169. The serine at codon 390 is replaced by isoleucine, an amino acid with dissimilar properties. This amino acid position is not well conserved in available vertebrate species. In addition, the in silico prediction for this alteration is inconclusive. Since supporting evidence is limited at this time, the clinical significance of this alteration remains unclear.

Labcorp Genetics (formerly Invitae), Labcorp
Classification: Uncertain significance for Oligodontia-cancer predisposition syndrome. Last evaluated: 2025-08-14. Review status: criteria provided, single submitter. Criteria: Invitae Variant Classification Sherloc (09022015). Collection method: clinical testing. Allele origin: germline.
Comment: This sequence change replaces serine, which is neutral and polar, with isoleucine, which is neutral and non-polar, at codon 390 of the AXIN2 protein (p.Ser390Ile). This variant is present in population databases (rs778900546, gnomAD 0.003%). This variant has not been reported in the literature in individuals affected with AXIN2-related conditions. ClinVar contains an entry for this variant (Variation ID: 533148). Invitae Evidence Modeling of protein sequence and biophysical properties (such as structural, functional, and spatial information, amino acid conservation, physicochemical variation, residue mobility, and thermodynamic stability) has been performed for this missense variant. However, the output from this modeling did not meet the statistical confidence thresholds required to predict the impact of this variant on AXIN2 protein function. In summary, the available evidence is currently insufficient to determine the role of this variant in disease. Therefore, it has been classified as a Variant of Uncertain Significance.

Baylor Genetics
Classification: Uncertain significance for Colorectal cancer. Last evaluated: 2024-01-27. Review status: criteria provided, single submitter. Criteria: ACMG Guidelines, 2015. Collection method: clinical testing. Allele origin: unknown.

GeneDx
Classification: Uncertain significance. Last evaluated: 2023-12-18. Review status: criteria provided, single submitter. Criteria: GeneDx Variant Classification Process June 2021. Collection method: clinical testing. Allele origin: germline. Affected: yes.
Comment: Not observed at significant frequency in large population cohorts (gnomAD); In silico analysis supports that this missense variant has a deleterious effect on protein structure/function; Has not been previously published as pathogenic or benign to our knowledge; This variant is associated with the following publications: (PMID: 15735151)

NM_004655.4(AXIN2):c.1169G>T (p.Ser390Ile)

Gene: AXIN2 (axin 2; minus strand). Cytogenetic location: 17q24.1.
Variant type: single nucleotide variant.
Coding change: c.1169G>T on transcript NM_004655.4 (MANE Select); coding-DNA position 1169, G replaced by T.
Protein change: p.Ser390Ile; replaces serine 390 with isoleucine.
Molecular consequence: missense variant.
Genome position (GRCh38, 1-based): chr17:65,538,234, C>A on the plus strand (G>T on the coding strand, the complement: AXIN2 is on the minus strand). VCF-style: chr17-65538234-C-A. GRCh37 (hg19) VCF-style: chr17-63534352-C-A.
Other names: c.1169G>T, p.Ser390Ile (NM_001363813.1); c.1169G>T (LRG_296t1); short protein forms S390I.
Identifiers: ClinVar variation 533148 (VCV000533148.19), dbSNP rs778900546, ClinGen allele CA8718848.